The following is an entry in ClinVar:

ClinVar aggregate classification (germline): Uncertain significance (1 of 4 stars; one submission).

Conditions:
Inborn genetic diseases. Identifiers: MedGen C0950123, MeSH D030342.

Submission:

Ambry Genetics
Classification: Uncertain significance for Inborn genetic diseases. Last evaluated: 2026-03-30. Review status: criteria provided, single submitter. Criteria: Ambry Variant Classification Scheme 2023. Collection method: clinical testing. Allele origin: germline.
Comment: The c.1324T>C (p.C442R) alteration is located in exon 7 (coding exon 5) of the CTCF gene. This alteration results from a T to C substitution at nucleotide position 1324, causing the cysteine (C) at amino acid position 442 to be replaced by an arginine (R). This variant was not reported in population-based cohorts in the Genome Aggregation Database (gnomAD). This amino acid position is highly conserved in available vertebrate species. This missense variant is located in a region that has a low rate of benign missense variation (Lek, 2016; Firth, 2009). This alteration is predicted to be deleterious by in silico analysis. Based on insufficient or conflicting evidence, the clinical significance of this alteration remains unclear.

NM_006565.4(CTCF):c.1324T>C (p.Cys442Arg)

Gene: CTCF (CCCTC-binding factor; plus strand). Cytogenetic location: 16q22.1.
Variant type: single nucleotide variant.
Coding change: c.1324T>C on transcript NM_006565.4 (MANE Select); coding-DNA position 1324, T replaced by C.
Protein change: p.Cys442Arg; replaces cysteine 442 with arginine.
Molecular consequence: missense variant.
Genome position (GRCh38, 1-based): chr16:67,621,558, T>C. VCF-style: chr16-67621558-T-C. GRCh37 (hg19) VCF-style: chr16-67655461-T-C.
Other names: c.340T>C, p.Cys114Arg (NM_001191022.2); c.1324T>C, p.Cys442Arg (NM_001363916.2, NM_001438968.1, NM_001438969.1); short protein forms C114R, C442R.
Identifiers: ClinVar variation 4869455 (VCV004869455.1).
Genomic context (GRCh38, chr16:67,621,558, plus strand): 5'-ATGAAGATGCACATTTTACAGAAGCACACAGAAAATGTGGCCAAATTTCACTGTCCCCAC[T>C]GTGACACAGTCATAGCCCGAAAAAGTGATTTGGGTAAGTAGATTAACTAGTGAGAAGTGA-3'
Protein context (NP_006556.1, residues 432-452): ENVAKFHCPH[Cys442Arg]DTVIARKSDL